The following is an entry in ClinVar:

ClinVar aggregate classification (germline): Uncertain significance. Review status: criteria provided, multiple submitters, no conflicts (2 of 4 stars). 2 submissions from 2 submitters: Uncertain significance (2). Last evaluated 2025-12-16.

Submissions (2):

Labcorp Genetics (formerly Invitae), Labcorp
Classification: Uncertain significance. Last evaluated: 2025-12-16. Review status: criteria provided, single submitter. Criteria: Invitae Variant Classification Sherloc (09022015). Collection method: clinical testing. Allele origin: germline.
Comment: This sequence change replaces lysine, which is basic and polar, with arginine, which is basic and polar, at codon 164 of the APOA1 protein (p.Lys164Arg). This variant is not present in population databases (gnomAD no frequency). This variant has not been reported in the literature in individuals affected with APOA1-related conditions. ClinVar contains an entry for this variant (Variation ID: 2642398). An algorithm developed to predict the effect of missense changes on protein structure and function outputs the following: PolyPhen-2: "Benign". The arginine amino acid residue is found in multiple mammalian species, which suggests that this missense change does not adversely affect protein function. In summary, the available evidence is currently insufficient to determine the role of this variant in disease. Therefore, it has been classified as a Variant of Uncertain Significance.

CeGaT Center for Human Genetics Tuebingen
Classification: Uncertain significance. Last evaluated: 2023-03-01. Review status: criteria provided, single submitter. Criteria: CeGaT Center For Human Genetics Tuebingen Variant Classification Criteria Version 2. Collection method: clinical testing. Allele origin: germline. Affected: yes. Observed: 1 variant allele.
Comment: APOA1: PM2, BP4

NM_000039.3(APOA1):c.491A>G (p.Lys164Arg)

Genes: APOA1 (apolipoprotein A1; minus strand), APOA1-AS (APOA1 antisense RNA; plus strand). Cytogenetic location: 11q23.3.
Variant type: single nucleotide variant.
Coding change: c.491A>G on transcript NM_000039.3 (MANE Select); coding-DNA position 491, A replaced by G.
Protein change: p.Lys164Arg; replaces lysine 164 with arginine.
Molecular consequence: missense variant. On other transcripts: non-coding transcript variant (1).
Genome position (GRCh38, 1-based): chr11:116,836,121, T>C on the plus strand (A>G on the coding strand, the complement: APOA1 is on the minus strand). VCF-style: chr11-116836121-T-C. GRCh37 (hg19) VCF-style: chr11-116706837-T-C.
Other names: c.491A>G, p.Lys164Arg (NM_001318017.2, NM_001318018.2, NM_001425090.1); c.164A>G, p.Lys55Arg (NM_001318021.2, NM_001425091.1, NM_001425092.1); c.446A>G, p.Lys149Arg (NM_001425093.1); short protein forms K149R, K164R, K55R.
Identifiers: ClinVar variation 2642398 (VCV002642398.25), dbSNP rs2540289354, ClinGen allele CA382715522.
Genomic context (GRCh38, chr11:116,836,121, plus strand): 5'-CGCAGCGCGTCCACATGGGCGCGCGCGCGGTCGCGCATCTCCTCGCCCAGTGGGCTCAGC[T>C]TCTCTTGCAGCTCGTGCAGCTTCTGGCGCGCGCCCTCTTGGAGCTCTGCGCGCAGCGGCT-3'
Protein context (NP_000030.1, residues 154-174): ARQKLHELQE[Lys164Arg]LSPLGEEMRD